The following is an entry in ClinVar:

NM_000132.4(F8):c.2902G>T (p.Glu968Ter)

Gene: F8 (coagulation factor VIII; minus strand). Cytogenetic location: Xq28.
Variant type: single nucleotide variant.
Coding change: c.2902G>T on transcript NM_000132.4 (MANE Select); coding-DNA position 2902, G replaced by T.
Protein change: p.Glu968Ter; replaces glutamic acid 968 with a stop codon.
Molecular consequence: nonsense.
Genome position (GRCh38, 1-based): chrX:154,930,888, C>A on the plus strand (G>T on the coding strand, the complement: F8 is on the minus strand). VCF-style: chrX-154930888-C-A. GRCh37 (hg19) VCF-style: chrX-154159163-C-A.
Other names: short protein forms E968*.
Identifiers: ClinVar variation 1330777 (VCV001330777.7), dbSNP rs782176982, ClinGen allele CA414899757.
Genomic context (GRCh38, chrX:154,930,888, plus strand): 5'-TCTCTGTTGACGATACATTTTTTCCCCATGAACTTTCTTGGCTATTCATTAAACCTGATT[C>A]TAACAACTTTGAATCATTATTTTCTTCACTCAAGCTCAGAGGTCCACCAGACTCAGTAAG-3'

ClinVar aggregate classification (germline): Pathogenic (1 of 4 stars; one submission).

Conditions:
Hereditary factor VIII deficiency disease (HEMA). Also called: HEMOPHILIA, CLASSIC; AUTOSOMAL HEMOPHILIA A; Hemophilia A; Hemophilia A, congenital; HEM A; Factor 8 deficiency, congenital. Identifiers: Orphanet 98878, MedGen C0019069, MONDO:0010602, OMIM 306700.

Allele frequency attached by ClinVar (database versions not stated): TOPMed 0.00001.

Submission:

ARUP Laboratories, Molecular Genetics and Genomics, ARUP Laboratories
Classification: Pathogenic for Hereditary factor VIII deficiency disease. Last evaluated: 2021-10-20. Review status: criteria provided, single submitter. Criteria: ARUP Molecular Germline Variant Investigation Process 2021. Collection method: clinical testing. Allele origin: germline.
Comment: The F8 c.2902G>T; p.Glu968Ter variant (rs782176982) is reported in the literature in at least one individual with hemophilia (Johnsen 2017). This variant absent from general population databases (Exome Variant Server, Genome Aggregation Database), indicating it is not a common polymorphism. This variant induces an early termination codon and is predicted to result in a truncated protein or mRNA subject to nonsense-mediated decay. Additionally, other variants in this region that introduce premature termination codons have been described in affected individuals and are considered pathogenic (Johnsen 2017, Wang 2010). Based on available information, this variant is considered to be pathogenic. References: Johnsen JM et al. Novel approach to genetic analysis and results in 3000 hemophilia patients enrolled in the My Life, Our Future initiative. Blood Adv. 2017 May 18;1(13):824-834. Wang X et al. The prevalence of factor VIII inhibitors and genetic aspects of inhibitor development in Chinese patients with haemophilia A. Haemophilia. 2010; 16(4):632-9.